The following is an entry in ClinVar:

NM_001111125.3(IQSEC2):c.2098G>T (p.Glu700Ter)

Gene: IQSEC2 (IQ motif and Sec7 domain ArfGEF 2; minus strand). Cytogenetic location: Xp11.22.
Variant type: single nucleotide variant.
Coding change: c.2098G>T on transcript NM_001111125.3 (MANE Select); coding-DNA position 2098, G replaced by T.
Protein change: p.Glu700Ter; replaces glutamic acid 700 with a stop codon.
Molecular consequence: nonsense.
Genome position (GRCh38, 1-based): chrX:53,250,478, C>A on the plus strand (G>T on the coding strand, the complement: IQSEC2 is on the minus strand). VCF-style: chrX-53250478-C-A. GRCh37 (hg19) VCF-style: chrX-53279660-C-A.
Other names: c.1483G>T, p.Glu495Ter (NM_015075.2); short protein forms E700*, E495*.
Identifiers: ClinVar variation 452424 (VCV000452424.2), dbSNP rs1556863043, ClinGen allele CA413161055.
Genomic context (GRCh38, chrX:53,250,478, plus strand): 5'-TGTCCCGAGAAGAGGAGCCGGAGCTGCAGTTGATGGTCTCATTGGAATTGCTGGAGCTCT[C>A]AAGGCTCTCGTTATCTCCACCATCAGAGTTCTCGCCTGCTGCCTCGCACTTCCCCAACCT-3'

ClinVar aggregate classification (germline): Pathogenic (1 of 4 stars; one submission).

Submission:

GeneDx
Classification: Pathogenic. Last evaluated: 2017-10-02. Review status: criteria provided, single submitter. Criteria: GeneDx Variant Classification (06012015). Collection method: clinical testing. Allele origin: germline. Affected: yes.
Comment: The E700X variant in the ISQEC2 gene has not been reported previously as a pathogenic variant nor as a benign variant, to our knowledge. This variant is predicted to cause loss of normal protein function either through protein truncation or nonsense-mediated mRNA decay. The E700X variant is not observed in large population cohorts (Lek et al., 2016).